The following is an entry in ClinVar:

ClinVar aggregate classification (germline): Uncertain significance (1 of 4 stars; one submission).

Conditions:
Hereditary cancer-predisposing syndrome. Also called: Neoplastic Syndromes, Hereditary; Tumor predisposition; Hereditary Cancer Syndrome; Hereditary neoplastic syndrome. Identifiers: Orphanet 140162, MedGen C0027672, MeSH D009386, MONDO:0015356.

gnomAD v4.1: 1 of 1,614,258 alleles (0.000062%); highest among the groups gnomAD compares: Non-Finnish European, 0.000085%; no homozygotes.

Submission:

Ambry Genetics
Classification: Uncertain significance for Hereditary cancer-predisposing syndrome. Last evaluated: 2025-10-02. Review status: criteria provided, single submitter. Criteria: Ambry Variant Classification Scheme 2023. Collection method: clinical testing. Allele origin: germline.
Comment: The p.I91V variant (also known as c.271A>G), located in coding exon 3 of the EGFR gene, results from an A to G substitution at nucleotide position 271. The isoleucine at codon 91 is replaced by valine, an amino acid with highly similar properties. This amino acid position is highly conserved in available vertebrate species. In addition, this alteration is predicted to be tolerated by in silico analysis. Based on the available evidence, the clinical significance of this variant remains unclear.

NM_005228.5(EGFR):c.271A>G (p.Ile91Val)

Gene: EGFR (epidermal growth factor receptor; plus strand). Cytogenetic location: 7p11.2.
Variant type: single nucleotide variant.
Coding change: c.271A>G on transcript NM_005228.5 (MANE Select); coding-DNA position 271, A replaced by G.
Protein change: p.Ile91Val; replaces isoleucine 91 with valine.
Molecular consequence: missense variant. On other transcripts: intron variant (1).
Genome position (GRCh38, 1-based): chr7:55,143,335, A>G. VCF-style: chr7-55143335-A-G. GRCh37 (hg19) VCF-style: chr7-55211028-A-G.
Other names: c.271A>G, p.Ile91Val (NM_001346897.2, NM_001346898.2, NM_001346899.2 and 3 more transcripts); c.112A>G, p.Ile38Val (NM_001346900.2); c.89-12495A>G (NM_001346941.2); short protein forms I38V, I91V.
Identifiers: ClinVar variation 4638431 (VCV004638431.1).
Genomic context (GRCh38, chr7:55,143,335, plus strand): 5'-AAATCACGCATTTATGTTTTCTCTTCTTAGACCATCCAGGAGGTGGCTGGTTATGTCCTC[A>G]TTGCCCTCAACACAGTGGAGCGAATTCCTTTGGAAAACCTGCAGATCATCAGAGGAAATA-3'
Protein context (NP_005219.2, residues 81-101): TIQEVAGYVL[Ile91Val]ALNTVERIPL